The following is an entry in ClinVar:

ClinVar aggregate classification (germline): Conflicting classifications of pathogenicity. Review status: criteria provided, conflicting classifications (1 of 4 stars). 2 submissions from 2 submitters: Uncertain significance (1); Likely benign (1). Last evaluated 2025-06-02.

Conditions:
Hereditary cancer-predisposing syndrome. Also called: Neoplastic Syndromes, Hereditary; Tumor predisposition; Hereditary Cancer Syndrome; Hereditary neoplastic syndrome. Identifiers: Orphanet 140162, MedGen C0027672, MeSH D009386, MONDO:0015356.
Familial meningioma. Also called: Meningioma, familial, susceptibility to. Identifiers: Orphanet 263662, MedGen C3551915, MONDO:0011789, OMIM 607174.

Allele frequency attached by ClinVar (database versions not stated): gnomAD exomes below 0.00001.
gnomAD v4.1: 2 of 1,614,120 alleles (0.00012%); highest among the groups gnomAD compares: Non-Finnish European, 0.00017%; no homozygotes.

Submissions (2):

Ambry Genetics
Classification: Likely benign for Hereditary cancer-predisposing syndrome. Last evaluated: 2025-06-02. Review status: criteria provided, single submitter. Criteria: Ambry Variant Classification Scheme 2023. Collection method: clinical testing. Allele origin: germline.

Labcorp Genetics (formerly Invitae), Labcorp
Classification: Uncertain significance for Familial meningioma. Last evaluated: 2024-11-03. Review status: criteria provided, single submitter. Criteria: Invitae Variant Classification Sherloc (09022015). Collection method: clinical testing. Allele origin: germline.
Comment: This sequence change replaces lysine, which is basic and polar, with arginine, which is basic and polar, at codon 305 of the SMARCE1 protein (p.Lys305Arg). This variant is not present in population databases (gnomAD no frequency). This variant has not been reported in the literature in individuals affected with SMARCE1-related conditions. ClinVar contains an entry for this variant (Variation ID: 1765954). Invitae Evidence Modeling of protein sequence and biophysical properties (such as structural, functional, and spatial information, amino acid conservation, physicochemical variation, residue mobility, and thermodynamic stability) indicates that this missense variant is not expected to disrupt SMARCE1 protein function with a negative predictive value of 80%. In summary, the available evidence is currently insufficient to determine the role of this variant in disease. Therefore, it has been classified as a Variant of Uncertain Significance.

NM_003079.5(SMARCE1):c.914A>G (p.Lys305Arg)

Gene: SMARCE1 (SWI/SNF related BAF chromatin remodeling complex subunit E1; minus strand). Cytogenetic location: 17q21.2.
Variant type: single nucleotide variant.
Coding change: c.914A>G on transcript NM_003079.5 (MANE Select); coding-DNA position 914, A replaced by G.
Protein change: p.Lys305Arg; replaces lysine 305 with arginine.
Molecular consequence: missense variant.
Genome position (GRCh38, 1-based): chr17:40,630,827, T>C on the plus strand (A>G on the coding strand, the complement: SMARCE1 is on the minus strand). VCF-style: chr17-40630827-T-C. GRCh37 (hg19) VCF-style: chr17-38787079-T-C.
Other names: short protein forms K305R.
Identifiers: ClinVar variation 1765954 (VCV001765954.8), dbSNP rs2508596024, ClinGen allele CA399363672.